The following is an entry in ClinVar:

NM_021930.6(RINT1):c.1130T>C (p.Met377Thr)

Gene: RINT1 (RAD50 interactor 1; plus strand). Cytogenetic location: 7q22.3.
Variant type: single nucleotide variant.
Coding change: c.1130T>C on transcript NM_021930.6 (MANE Select); coding-DNA position 1130, T replaced by C.
Protein change: p.Met377Thr; replaces methionine 377 with threonine.
Molecular consequence: missense variant. On other transcripts: non-coding transcript variant (1).
Genome position (GRCh38, 1-based): chr7:105,550,283, T>C. VCF-style: chr7-105550283-T-C. GRCh37 (hg19) VCF-style: chr7-105190730-T-C.
Other names: c.896T>C, p.Met299Thr (NM_001346599.2); c.107T>C, p.Met36Thr (NM_001346600.2, NM_001346603.2); c.206T>C, p.Met69Thr (NM_001346601.2); short protein forms M377T, M36T, M299T, M69T.
Identifiers: ClinVar variation 640483 (VCV000640483.12), dbSNP rs751612473, ClinGen allele CA4426612.

ClinVar aggregate classification (germline): Uncertain significance. Review status: criteria provided, multiple submitters, no conflicts (2 of 4 stars). 2 submissions from 2 submitters: Uncertain significance (2). Last evaluated 2024-07-01.

Allele frequency attached by ClinVar (database versions not stated): gnomAD 0.00002 and 0.00003; ExAC 0.00003; gnomAD exomes 0.00003 and 0.00004; TOPMed 0.00005.
gnomAD v4.1: 52 of 1,614,032 alleles (0.0032%); highest among the groups gnomAD compares: Admixed American, 0.0067%; no homozygotes.

Submissions (2):

Labcorp Genetics (formerly Invitae), Labcorp
Classification: Uncertain significance. Last evaluated: 2024-07-01. Review status: criteria provided, single submitter. Criteria: Invitae Variant Classification Sherloc (09022015). Collection method: clinical testing. Allele origin: germline.
Comment: This sequence change replaces methionine, which is neutral and non-polar, with threonine, which is neutral and polar, at codon 377 of the RINT1 protein (p.Met377Thr). This variant is present in population databases (rs751612473, gnomAD 0.006%). This variant has not been reported in the literature in individuals affected with RINT1-related conditions. ClinVar contains an entry for this variant (Variation ID: 640483). An algorithm developed to predict the effect of missense changes on protein structure and function (PolyPhen-2) suggests that this variant¬†is likely to be tolerated. In summary, the available evidence is currently insufficient to determine the role of this variant in disease. Therefore, it has been classified as a Variant of Uncertain Significance.

Ambry Genetics
Classification: Uncertain significance. Last evaluated: 2024-02-26. Review status: criteria provided, single submitter. Criteria: Ambry Variant Classification Scheme 2023. Collection method: clinical testing. Allele origin: germline.
Comment: The p.M377T variant (also known as c.1130T>C), located in coding exon 9 of the RINT1 gene, results from a T to C substitution at nucleotide position 1130. The methionine at codon 377 is replaced by threonine, an amino acid with similar properties. This amino acid position is conserved. In addition, this alteration is predicted to be tolerated by in silico analysis. Since supporting evidence is limited at this time, the clinical significance of this alteration remains unclear.